The following is an entry in ClinVar:

NM_004304.5(ALK):c.2315A>G (p.Tyr772Cys)

Gene: ALK (ALK receptor tyrosine kinase; minus strand). Cytogenetic location: 2p23.2.
Variant type: single nucleotide variant.
Coding change: c.2315A>G on transcript NM_004304.5 (MANE Select); coding-DNA position 2315, A replaced by G.
Protein change: p.Tyr772Cys; replaces tyrosine 772 with cysteine.
Molecular consequence: missense variant.
Genome position (GRCh38, 1-based): chr2:29,239,720, T>C on the plus strand (A>G on the coding strand, the complement: ALK is on the minus strand). VCF-style: chr2-29239720-T-C. GRCh37 (hg19) VCF-style: chr2-29462586-T-C.
Other names: short protein forms Y772C.
Identifiers: ClinVar variation 2753485 (VCV002753485.3), dbSNP rs2465270018, ClinGen allele CA346474336.

ClinVar aggregate classification (germline): Uncertain significance (1 of 4 stars; one submission).

Conditions:
Neuroblastoma, susceptibility to, 3. Also called: ALK-Related Neuroblastic Tumor Susceptibility. Identifiers: Orphanet 635, MedGen C2751681, MONDO:0013083, OMIM 613014.

Submission:

Labcorp Genetics (formerly Invitae), Labcorp
Classification: Uncertain significance for Neuroblastoma, susceptibility to, 3. Last evaluated: 2023-08-17. Review status: criteria provided, single submitter. Criteria: Invitae Variant Classification Sherloc (09022015). Collection method: clinical testing. Allele origin: germline.
Comment: In summary, the available evidence is currently insufficient to determine the role of this variant in disease. Therefore, it has been classified as a Variant of Uncertain Significance. An algorithm developed to predict the effect of missense changes on protein structure and function (PolyPhen-2) suggests that this variant is likely to be disruptive. This variant has not been reported in the literature in individuals affected with ALK-related conditions. This variant is not present in population databases (gnomAD no frequency). This sequence change replaces tyrosine, which is neutral and polar, with cysteine, which is neutral and slightly polar, at codon 772 of the ALK protein (p.Tyr772Cys).